The following is an entry in ClinVar:

NM_017514.5(PLXNA3):c.39C>T (p.Ala13=)

Gene: PLXNA3 (plexin A3; plus strand). Cytogenetic location: Xq28.
Variant type: single nucleotide variant.
Coding change: c.39C>T on transcript NM_017514.5 (MANE Select); coding-DNA position 39, C replaced by T.
Protein change: p.Ala13=; no amino-acid change (alanine 13 retained).
Molecular consequence: synonymous variant.
Genome position (GRCh38, 1-based): chrX:154,460,222, C>T. VCF-style: chrX-154460222-C-T. GRCh37 (hg19) VCF-style: chrX-153688562-C-T.
Identifiers: ClinVar variation 3054656 (VCV003054656.2), dbSNP rs201924446, ClinGen allele CA10563573.

ClinVar aggregate classification (germline): Likely benign (0 of 4 stars; one submission).

Conditions:
PLXNA3-related disorder. Also called: PLXNA3-related condition.

Allele frequency attached by ClinVar (database versions not stated): ExAC 0.00011; TOPMed 0.00011; gnomAD exomes 0.00012; ESP Exome Variant Server 0.00009; gnomAD 0.00013; 1000 Genomes Project 30x 0.00021; 1000 Genomes Project 0.00026.
gnomAD v4.1: 154 of 1,207,355 alleles (0.013%); highest among the groups gnomAD compares: Middle Eastern, 0.048%; no homozygotes.

Submission:

PreventionGenetics, part of Exact Sciences
Classification: Likely benign for PLXNA3-related condition. Last evaluated: 2022-06-27. Review status: no assertion criteria provided. Collection method: clinical testing. Allele origin: germline.
Comment: This variant is classified as likely benign based on ACMG/AMP sequence variant interpretation guidelines (Richards et al. 2015 PMID: 25741868, with internal and published modifications).